The following is an entry in ClinVar:

ClinVar aggregate classification (germline): Benign. Review status: criteria provided, multiple submitters, no conflicts (2 of 4 stars). 2 submissions from 2 submitters: Benign (2). Last evaluated 2018-06-19.

Allele frequency attached by ClinVar (database versions not stated): gnomAD exomes 0.00395; 1000 Genomes Project 0.02781; gnomAD 0.02800 and 0.02988; 1000 Genomes Project 30x 0.03122; TOPMed 0.03333.
gnomAD v4.1: 4,404 of 417,018 alleles (1.1%); highest among the groups gnomAD compares: African/African-American, 9.7%; 142 homozygotes.

Submissions (2):

GeneDx
Classification: Benign. Last evaluated: 2018-06-19. Review status: criteria provided, single submitter. Criteria: GeneDx Variant Classification (06012015). Collection method: clinical testing. Allele origin: germline. Affected: yes.
Comment: This variant is considered likely benign or benign based on one or more of the following criteria: it is a conservative change, it occurs at a poorly conserved position in the protein, it is predicted to be benign by multiple in silico algorithms, and/or has population frequency not consistent with disease.

Breakthrough Genomics
Classification: Benign. Review status: criteria provided, single submitter. Criteria: ACMG Guidelines, 2015. Collection method: not provided. Allele origin: germline. Inheritance: X-linked inheritance. Affected: yes.

NM_005765.3(ATP6AP2):c.301-204A>T

Gene: ATP6AP2 (ATPase H+ transporting accessory protein 2; plus strand). Cytogenetic location: Xp11.4.
Variant type: single nucleotide variant.
Coding change: c.301-204A>T on transcript NM_005765.3 (MANE Select); 204 bases into the intron before coding-DNA position 301, A replaced by T.
Molecular consequence: intron variant.
Genome position (GRCh38, 1-based): chrX:40,597,045, A>T. VCF-style: chrX-40597045-A-T. GRCh37 (hg19) VCF-style: chrX-40456297-A-T.
Identifiers: ClinVar variation 677654 (VCV000677654.2), dbSNP rs57869407, ClinGen allele CA328988252.